The following is an entry in ClinVar:

NM_000421.5(KRT10):c.472G>C (p.Ala158Pro)

Genes: KRT10 (keratin 10; minus strand), KRT10-AS1 (KRT10 antisense RNA 1; plus strand). Cytogenetic location: 17q21.2.
Variant type: single nucleotide variant.
Coding change: c.472G>C on transcript NM_000421.5 (MANE Select); coding-DNA position 472, G replaced by C.
Protein change: p.Ala158Pro; replaces alanine 158 with proline.
Molecular consequence: missense variant.
Genome position (GRCh38, 1-based): chr17:40,822,114, C>G on the plus strand (G>C on the coding strand, the complement: KRT10 is on the minus strand). VCF-style: chr17-40822114-C-G. GRCh37 (hg19) VCF-style: chr17-38978366-C-G.
Other names: c.472G>C, p.Ala158Pro (NM_001379366.1); short protein forms A158P.
Identifiers: ClinVar variation 66177 (VCV000066177.3), dbSNP rs59175042, ClinGen allele CA216596.

ClinVar aggregate classification (germline): Pathogenic/Likely pathogenic. Review status: criteria provided, multiple submitters, no conflicts (2 of 4 stars). 3 submissions from 3 submitters: Pathogenic (1); Likely pathogenic (1). 1 of the submissions does not count toward it. Last evaluated 2023-06-29.

Conditions:
KRT10-related disorder. Also called: KRT10-related condition.

Submissions (3):

Blueprint Genetics
Classification: Likely pathogenic for KRT10-related disorders. Last evaluated: 2023-06-29. Review status: criteria provided, single submitter. Criteria: ACMG Guidelines, 2015. Collection method: clinical testing. Allele origin: germline. Affected: yes. Observed: 1 variant allele.

GeneDx
Classification: Pathogenic. Last evaluated: 2016-05-27. Review status: criteria provided, single submitter. Criteria: GeneDx Variant Classification (06012015). Collection method: clinical testing. Allele origin: germline. Affected: yes.
Comment: The A158P pathogenic variant in the KRT10 gene has been reported previously in the study of a patient with epidermolytic hyperkeratosis where in vitro assays revealed changes to the structural properties of KIF as a (Yang et al., 1997). It was not observed in approximately 6,500 individuals of European and African American ancestry in the NHLBI Exome Sequencing Project, indicating it is not a common benign variant in these populations. A158P is a semi-conservative amino acid substitution, which may impact secondary protein structure as these residues differ in some properties. This substitution occurs within a known mutational hotspot region (helix initiation motif) that is highly conserved across all species and among all members of the keratin family. Many other pathogenic variants in patients with epidermolytic ichthyosis have been reported in nearby residues (L153V, N154H, R156S/G/C/L/P/H, L157P, Y160D/N/S, L161S) according to the Human Gene Mutation Database (Stenson et al., 2014). It is well established that keratin gene mutations affecting the residues at the ends of the central rod domains of the keratin proteins (helix initiation and termination motifs) interfere with proper keratin intermediate filament assembly and function, resulting in skin fragility and/or hyperkeratosis (Chamcheu et al., 2011). In addition, the KRT10 has a low rate of benign missense variation, with missense variants being a common mechanism of disorder. Therefore, A158P is pathogenic.

Epithelial Biology;  Institute of Medical Biology, Singapore
No classification provided. Review status: no classification provided. Collection method: not provided. Allele origin: not provided. Not counted in ClinVar's aggregate classification.